The following is an entry in ClinVar:

ClinVar aggregate classification (germline): Uncertain significance (1 of 4 stars; one submission).

Conditions:
Cardiovascular phenotype. Identifiers: MedGen CN230736.

Submission:

Ambry Genetics
Classification: Uncertain significance for Cardiovascular phenotype. Last evaluated: 2025-07-24. Review status: criteria provided, single submitter. Criteria: Ambry Variant Classification Scheme 2023. Collection method: clinical testing. Allele origin: germline.
Comment: The p.D2389H variant (also known as c.7165G>C), located in coding exon 24 of the DSP gene, results from a G to C substitution at nucleotide position 7165. The aspartic acid at codon 2389 is replaced by histidine, an amino acid with similar properties. This amino acid position is conserved. In addition, this alteration is predicted to be tolerated by in silico analysis. Based on the available evidence, the clinical significance of this variant remains unclear.

NM_004415.4(DSP):c.7165G>C (p.Asp2389His)

Gene: DSP (desmoplakin; plus strand). Cytogenetic location: 6p24.3.
Variant type: single nucleotide variant.
Coding change: c.7165G>C on transcript NM_004415.4 (MANE Select); coding-DNA position 7165, G replaced by C.
Protein change: p.Asp2389His; replaces aspartic acid 2389 with histidine.
Molecular consequence: missense variant.
Genome position (GRCh38, 1-based): chr6:7,584,427, G>C. VCF-style: chr6-7584427-G-C. GRCh37 (hg19) VCF-style: chr6-7584660-G-C.
Other names: c.5368G>C, p.Asp1790His (NM_001008844.3); c.5836G>C, p.Asp1946His (NM_001319034.2); short protein forms D2389H, D1790H, D1946H.
Identifiers: ClinVar variation 4245117 (VCV004245117.1).
Genomic context (GRCh38, chr6:7,584,427, plus strand): 5'-GAAGCACAGATCGCAACCGGGGGGATCATTGACCCAAAGGAGAGCCATCGTTTACCAGTT[G>C]ACATAGCATATAAGAGGGGCTATTTCAATGAGGAACTCAGTGAGATTCTCTCAGATCCAA-3'
Protein context (NP_004406.2, residues 2379-2399): DPKESHRLPV[Asp2389His]IAYKRGYFNE